The following is an entry in ClinVar:

NM_000077.5(CDKN2A):c.279G>T (p.Thr93=)

Gene: CDKN2A (cyclin dependent kinase inhibitor 2A; minus strand). Cytogenetic location: 9p21.3.
Variant type: single nucleotide variant.
Coding change: c.279G>T on transcript NM_000077.5; coding-DNA position 279, G replaced by T.
Protein change: p.Thr93=; no amino-acid change (threonine 93 retained).
Molecular consequence: synonymous variant (on NM_000077.6). On other transcripts: missense variant (1), 3 prime UTR variant (1).
Genome position (GRCh38, 1-based): chr9:21,971,080, C>A on the plus strand (G>T on the coding strand, the complement: CDKN2A is on the minus strand). VCF-style: chr9-21971080-C-A. GRCh37 (hg19) VCF-style: chr9-21971079-C-A.
Other names: c.279G>T, p.Thr93= (NM_000077.6, NM_001195132.2); c.126G>T, p.Thr42= (NM_001363763.2); c.322G>T, p.Ala108Ser (NM_058195.4); c.*202G>T (NM_058197.5); short protein forms A108S.
Identifiers: ClinVar variation 1059245 (VCV001059245.5), dbSNP rs2131094486, ClinGen allele CA373086159.

ClinVar aggregate classification (germline): Conflicting classifications of pathogenicity. Review status: criteria provided, conflicting classifications (1 of 4 stars). 2 submissions from 2 submitters: Uncertain significance (1); Likely benign (1). Last evaluated 2025-09-25.

Conditions:
Hereditary cancer-predisposing syndrome. Also called: Hereditary Cancer Syndrome; Tumor predisposition; Hereditary neoplastic syndrome; Neoplastic Syndromes, Hereditary. Identifiers: Orphanet 140162, MedGen C0027672, MeSH D009386, MONDO:0015356.
Familial melanoma. Also called: Hereditary melanoma; Hereditary cutaneous melanoma. Identifiers: Orphanet 618, MedGen C1512419, MONDO:0018961.

Submissions (2):

Ambry Genetics
Classification: Uncertain significance for Hereditary cancer-predisposing syndrome. Last evaluated: 2025-09-25. Review status: criteria provided, single submitter. Criteria: Ambry Variant Classification Scheme 2023. Collection method: clinical testing. Allele origin: germline.
Comment: The c.279G>T variant (also known as p.T93T), located in coding exon 2 of the CDKN2A gene, results from a G to T substitution at nucleotide position 279 and does not change the amino acid at position 279 of the p16 isoform. Of note, this variant is also known as p.A109S (c.322G>T) in the p14(ARF) isoform and results from a G to T substitution at amino acid position 109. The evidence supporting a relationship between p14(ARF) and melanoma-pancreatic cancer syndrome is limited; therefore, the association of this variant with this gene-disease relationship is unknown. However, the association of this variant in the p16 isoform with melanoma-pancreatic cancer syndrome is unlikely.

Labcorp Genetics (formerly Invitae), Labcorp
Classification: Likely benign for Familial melanoma. Last evaluated: 2024-10-22. Review status: criteria provided, single submitter. Criteria: Invitae Variant Classification Sherloc (09022015). Collection method: clinical testing. Allele origin: germline.